The following is an entry in ClinVar:

ClinVar aggregate classification (germline): Likely benign. Review status: criteria provided, multiple submitters, no conflicts (2 of 4 stars). 2 submissions from 2 submitters: Likely benign (2). Last evaluated 2025-11-18.

Conditions:
FAH-related disorder. Also called: FAH-related condition.
Tyrosinemia type I (TYRSN1). Also called: HEPATORENAL TYROSINEMIA; Tyrosinemia type 1; Fumarylacetoacetase deficiency; Deficiency of fumarylacetoacetase; FAH DEFICIENCY. Identifiers: Orphanet 882, MedGen C0268490, MONDO:0010161, OMIM 276700. Disease mechanism: loss of function.

Allele frequency attached by ClinVar (database versions not stated): ExAC 0.00001; gnomAD 0.00001; gnomAD exomes 0.00001; TOPMed 0.00001.
gnomAD v4.1: 20 of 1,614,042 alleles (0.0012%); highest among the groups gnomAD compares: Non-Finnish European, 0.0016%; no homozygotes.

Submissions (2):

PreventionGenetics, part of Exact Sciences
Classification: Likely benign for FAH-related condition. Last evaluated: 2025-11-18. Review status: criteria provided, single submitter. Criteria: ACMG Guidelines, 2015. Collection method: clinical testing. Allele origin: germline.
Comment: This variant is classified as likely benign based on ACMG/AMP sequence variant interpretation guidelines (Richards et al. 2015 PMID: 25741868, with internal and published modifications).

Labcorp Genetics (formerly Invitae), Labcorp
Classification: Likely benign for Tyrosinemia type I. Last evaluated: 2023-11-07. Review status: criteria provided, single submitter. Criteria: Invitae Variant Classification Sherloc (09022015). Collection method: clinical testing. Allele origin: germline.

NM_000137.4(FAH):c.783G>A (p.Pro261=)

Gene: FAH (fumarylacetoacetate hydrolase; plus strand). Cytogenetic location: 15q25.1.
Variant type: single nucleotide variant.
Coding change: c.783G>A on transcript NM_000137.4 (MANE Select); coding-DNA position 783, G replaced by A.
Protein change: p.Pro261=; no amino-acid change (proline 261 retained).
Molecular consequence: synonymous variant.
Genome position (GRCh38, 1-based): chr15:80,173,090, G>A. VCF-style: chr15-80173090-G-A. GRCh37 (hg19) VCF-style: chr15-80465432-G-A.
Other names: c.783G>A, p.Pro261= (NM_001374377.1, NM_001374380.1).
Identifiers: ClinVar variation 763604 (VCV000763604.11), dbSNP rs777792671, ClinGen allele CA7691337.